The following is an entry in ClinVar:

ClinVar aggregate classification (germline): Benign/Likely benign. Review status: criteria provided, multiple submitters, no conflicts (2 of 4 stars). 3 submissions from 3 submitters: Benign (1); Likely benign (2). Last evaluated 2026-04-30.

Conditions:
Colorectal cancer, hereditary nonpolyposis, type 7. Identifiers: Orphanet 144, MedGen C1858380, MONDO:0013725, OMIM 614385.

Allele frequency attached by ClinVar (database versions not stated): gnomAD exomes below 0.00001; ExAC 0.00001.
gnomAD v4.1: 1 of 1,614,066 alleles (0.000062%); highest among the groups gnomAD compares: East Asian, 0.0022%; no homozygotes.

Submissions (3):

Myriad Genetics, Inc.
Classification: Benign for Colorectal cancer, hereditary nonpolyposis, type 7. Last evaluated: 2026-04-30. Review status: criteria provided, single submitter. Criteria: Myriad Autosomal Dominant, Autosomal Recessive and X-Linked Classification Criteria (2023). Collection method: clinical testing. Allele origin: unknown.
Comment: This variant is considered benign. This variant is a silent/synonymous amino acid change and it is not expected to impact splicing.

Labcorp Genetics (formerly Invitae), Labcorp
Classification: Likely benign for Colorectal cancer, hereditary nonpolyposis, type 7. Last evaluated: 2025-07-07. Review status: criteria provided, single submitter. Criteria: Invitae Variant Classification Sherloc (09022015). Collection method: clinical testing. Allele origin: germline.

Ambry Genetics
Classification: Likely benign. Last evaluated: 2023-06-09. Review status: criteria provided, single submitter. Criteria: Ambry Variant Classification Scheme 2023. Collection method: clinical testing. Allele origin: germline.

NM_001040108.2(MLH3):c.1392T>C (p.Ser464=)

Gene: MLH3 (mutL homolog 3; minus strand). Cytogenetic location: 14q24.3.
Variant type: single nucleotide variant.
Coding change: c.1392T>C on transcript NM_001040108.2 (MANE Select); coding-DNA position 1392, T replaced by C.
Protein change: p.Ser464=; no amino-acid change (serine 464 retained).
Molecular consequence: synonymous variant.
Genome position (GRCh38, 1-based): chr14:75,048,264, A>G on the plus strand (T>C on the coding strand, the complement: MLH3 is on the minus strand). VCF-style: chr14-75048264-A-G. GRCh37 (hg19) VCF-style: chr14-75514967-A-G.
Other names: c.1392T>C, p.Ser464= (NM_014381.3); c.1392T>C (NM_001040108.1).
Identifiers: ClinVar variation 1617961 (VCV001617961.10), dbSNP rs758511599, ClinGen allele CA7275881.